The following is an entry in ClinVar:

NM_000179.3(MSH6):c.3438+5C>T

Gene: MSH6 (mutS homolog 6; plus strand). Cytogenetic location: 2p16.3.
Variant type: single nucleotide variant.
Coding change: c.3438+5C>T on transcript NM_000179.3 (MANE Select); 5 bases into the intron after coding-DNA position 3438, C replaced by T.
Molecular consequence: intron variant.
Genome position (GRCh38, 1-based): chr2:47,803,690, C>T. VCF-style: chr2-47803690-C-T. GRCh37 (hg19) VCF-style: chr2-48030829-C-T.
Other names: c.2532+5C>T (NM_001281493.2, NM_001281494.2); c.3048+5C>T (NM_001281492.2).
Identifiers: ClinVar variation 1390437 (VCV001390437.6), dbSNP rs777420424, ClinGen allele CA2573134730.

ClinVar aggregate classification (germline): Uncertain significance (1 of 4 stars; one submission).

Conditions:
Hereditary nonpolyposis colorectal neoplasms. Identifiers: MedGen C0009405, MeSH D003123.

Submission:

Labcorp Genetics (formerly Invitae), Labcorp
Classification: Uncertain significance for Hereditary nonpolyposis colorectal neoplasms. Last evaluated: 2021-10-31. Review status: criteria provided, single submitter. Criteria: Invitae Variant Classification Sherloc (09022015). Collection method: clinical testing. Allele origin: germline.
Comment: This sequence change falls in intron 5 of the MSH6 gene. It does not directly change the encoded amino acid sequence of the MSH6 protein. It affects a nucleotide within the consensus splice site. This variant is not present in population databases (gnomAD no frequency). This variant has not been reported in the literature in individuals affected with MSH6-related conditions. Variants that disrupt the consensus splice site are a relatively common cause of aberrant splicing (PMID: 17576681, 9536098). Algorithms developed to predict the effect of sequence changes on RNA splicing suggest that this variant is not likely to affect RNA splicing. In summary, the available evidence is currently insufficient to determine the role of this variant in disease. Therefore, it has been classified as a Variant of Uncertain Significance.

Literature cited by the submitters: PubMed 17576681; PubMed 9536098.